The following is an entry in ClinVar:

NM_005876.5(SPEG):c.769G>A (p.Gly257Ser)

Gene: SPEG (striated muscle enriched protein kinase; plus strand). Cytogenetic location: 2q35.
Variant type: single nucleotide variant.
Coding change: c.769G>A on transcript NM_005876.5 (MANE Select); coding-DNA position 769, G replaced by A.
Protein change: p.Gly257Ser; replaces glycine 257 with serine.
Molecular consequence: missense variant.
Genome position (GRCh38, 1-based): chr2:219,445,115, G>A. VCF-style: chr2-219445115-G-A. GRCh37 (hg19) VCF-style: chr2-220309837-G-A.
Other names: c.769G>A (NM_005876.4); short protein forms G257S.
Identifiers: ClinVar variation 1511606 (VCV001511606.5), dbSNP rs376718418, ClinGen allele CA2125564.
Genomic context (GRCh38, chr2:219,445,115, plus strand): 5'-AATCTGGTGGGCGCAAGCTGGGGGTCAGAGGATAGCCTTTCCGTGGCCAGTGACCTGTAC[G>A]GCAGCGCATTCAGCCTGTACAGAGGACGGGCGCTCTCTATCCACGTGTAAGTAACGGCCT-3'
Protein context (NP_005867.3, residues 247-267): DSLSVASDLY[Gly257Ser]SAFSLYRGRA

ClinVar aggregate classification (germline): Uncertain significance. Review status: criteria provided, multiple submitters, no conflicts (2 of 4 stars). 2 submissions from 2 submitters: Uncertain significance (2). Last evaluated 2025-11-05.

Conditions:
Inborn genetic diseases. Identifiers: MedGen C0950123, MeSH D030342.

Allele frequency attached by ClinVar (database versions not stated): TOPMed 0.00004; ExAC 0.00013; gnomAD 0.00007; ESP Exome Variant Server 0.00008; gnomAD exomes 0.00006.

Submissions (2):

Ambry Genetics
Classification: Uncertain significance for Inborn genetic diseases. Last evaluated: 2025-11-05. Review status: criteria provided, single submitter. Criteria: Ambry Variant Classification Scheme 2023. Collection method: clinical testing. Allele origin: germline.

Labcorp Genetics (formerly Invitae), Labcorp
Classification: Uncertain significance. Last evaluated: 2022-05-23. Review status: criteria provided, single submitter. Criteria: Invitae Variant Classification Sherloc (09022015). Collection method: clinical testing. Allele origin: germline.
Comment: This sequence change replaces glycine, which is neutral and non-polar, with serine, which is neutral and polar, at codon 257 of the SPEG protein (p.Gly257Ser). This variant is present in population databases (rs376718418, gnomAD 0.01%). This variant has not been reported in the literature in individuals affected with SPEG-related conditions. Algorithms developed to predict the effect of missense changes on protein structure and function (SIFT, PolyPhen-2, Align-GVGD) all suggest that this variant is likely to be tolerated. In summary, the available evidence is currently insufficient to determine the role of this variant in disease. Therefore, it has been classified as a Variant of Uncertain Significance.